The following is an entry in ClinVar:

ClinVar aggregate classification (germline): Uncertain significance (1 of 4 stars; one submission).

Conditions:
Emery-Dreifuss muscular dystrophy 5, autosomal dominant (EDMD5). Also called: EMERY-DREIFUSS MUSCULAR DYSTROPHY 5. Identifiers: Orphanet 261, MedGen C2751805, MONDO:0013072, OMIM 612999.

Submission:

Labcorp Genetics (formerly Invitae), Labcorp
Classification: Uncertain significance for Emery-Dreifuss muscular dystrophy 5, autosomal dominant. Last evaluated: 2024-12-10. Review status: criteria provided, single submitter. Criteria: Invitae Variant Classification Sherloc (09022015). Collection method: clinical testing. Allele origin: germline.
Comment: This sequence change replaces glutamic acid, which is acidic and polar, with lysine, which is basic and polar, at codon 2788 of the SYNE2 protein (p.Glu2788Lys). This variant is not present in population databases (gnomAD no frequency). This variant has not been reported in the literature in individuals affected with SYNE2-related conditions. An algorithm developed to predict the effect of missense changes on protein structure and function outputs the following: PolyPhen-2: "Benign". The lysine amino acid residue is found in multiple mammalian species, which suggests that this missense change does not adversely affect protein function. In summary, the available evidence is currently insufficient to determine the role of this variant in disease. Therefore, it has been classified as a Variant of Uncertain Significance.

NM_182914.3(SYNE2):c.8362G>A (p.Glu2788Lys)

Gene: SYNE2 (spectrin repeat containing nuclear envelope protein 2; plus strand). Cytogenetic location: 14q23.2.
Variant type: single nucleotide variant.
Coding change: c.8362G>A on transcript NM_182914.3 (MANE Select); coding-DNA position 8362, G replaced by A.
Protein change: p.Glu2788Lys; replaces glutamic acid 2788 with lysine.
Molecular consequence: missense variant.
Genome position (GRCh38, 1-based): chr14:64,052,275, G>A. VCF-style: chr14-64052275-G-A. GRCh37 (hg19) VCF-style: chr14-64518993-G-A.
Other names: c.8362G>A, p.Glu2788Lys (NM_015180.6); short protein forms E2788K.
Identifiers: ClinVar variation 3723247 (VCV003723247.2).